The following is an entry in ClinVar:

NC_000005.9:g.(?_127692948)_(127697561_?)del

Gene: FBN2 (fibrillin 2; minus strand). Cytogenetic location: 5q23.3.
Variant type: Deletion.
Identifiers: ClinVar variation 3246294 (VCV003246294.1).

ClinVar aggregate classification (germline): Uncertain significance (1 of 4 stars; one submission).

Conditions:
Congenital contractural arachnodactyly (CCA). Also called: Beals-Hecht syndrome; Arthrogryposis, distal, type 9; BEALS SYNDROME. Identifiers: Orphanet 115, MedGen C0220668, MONDO:0007363, OMIM 121050.

Submission:

Labcorp Genetics (formerly Invitae), Labcorp
Classification: Uncertain significance for Congenital contractural arachnodactyly. Last evaluated: 2023-05-14. Review status: criteria provided, single submitter. Criteria: Invitae Variant Classification Sherloc (09022015). Collection method: clinical testing. Allele origin: unknown.
Comment: In summary, the available evidence is currently insufficient to determine the role of this variant in disease. Therefore, it has been classified as a Variant of Uncertain Significance. Experimental studies and prediction algorithms are not available or were not evaluated, and the functional significance of this variant is currently unknown. This variant has not been reported in the literature in individuals affected with FBN2-related conditions. This variant is a gross deletion of the genomic region encompassing exon(s) 19-20 of the FBN2 gene. This variant would be expected to be in-frame, preserving the integrity of the reading frame.